The following is an entry in ClinVar:

NM_000238.4(KCNH2):c.2292G>T (p.Pro764=)

Gene: KCNH2 (potassium voltage-gated channel subfamily H member 2; minus strand). Cytogenetic location: 7q36.1.
Variant type: single nucleotide variant.
Coding change: c.2292G>T on transcript NM_000238.4 (MANE Select); coding-DNA position 2292, G replaced by T.
Protein change: p.Pro764=; no amino-acid change (proline 764 retained).
Molecular consequence: synonymous variant. On other transcripts: non-coding transcript variant (2).
Genome position (GRCh38, 1-based): chr7:150,950,274, C>A on the plus strand (G>T on the coding strand, the complement: KCNH2 is on the minus strand). VCF-style: chr7-150950274-C-A. GRCh37 (hg19) VCF-style: chr7-150647362-C-A.
Other names: c.1272G>T, p.Pro424= (NM_001204798.2, NM_172057.3); c.2004G>T, p.Pro668= (NM_001406753.1, NM_001406756.1); c.2115G>T, p.Pro705= (NM_001406755.1); c.1992G>T, p.Pro664= (NM_001406757.1); c.2292G>T, p.Pro764= (NM_172056.3).
Identifiers: ClinVar variation 1125572 (VCV001125572.16), dbSNP rs766291953, ClinGen allele CA458871292.

ClinVar aggregate classification (germline): Likely benign. Review status: criteria provided, multiple submitters, no conflicts (2 of 4 stars). 4 submissions from 4 submitters: Likely benign (4). Last evaluated 2025-04-09.

Conditions:
Long QT syndrome (LQTS). Identifiers: MedGen C0023976, MeSH D008133, MONDO:0002442. Disease mechanism: loss of function. Inheritance: Various modes of inheritance.
Cardiovascular phenotype. Identifiers: MedGen CN230736.
Cardiac arrhythmia. Also called: Arrhythmia; Cardiac rhythm disease. Identifiers: MedGen C0003811, MONDO:0007263, HP:0011675.

Submissions (4):

Molecular Diagnostic Laboratory for Inherited Cardiovascular Disease, Montreal Heart Institute
Classification: Likely benign. Last evaluated: 2025-04-09. Review status: criteria provided, single submitter. Criteria: ACMG Guidelines, 2015. Collection method: clinical testing. Allele origin: germline. Affected: no.
Comment: BP6;BP7

Labcorp Genetics (formerly Invitae), Labcorp
Classification: Likely benign for Long QT syndrome. Last evaluated: 2025-02-05. Review status: criteria provided, single submitter. Criteria: Invitae Variant Classification Sherloc (09022015). Collection method: clinical testing. Allele origin: germline.

Ambry Genetics
Classification: Likely benign for Cardiovascular phenotype. Last evaluated: 2022-09-26. Review status: criteria provided, single submitter. Criteria: Ambry Variant Classification Scheme 2023. Collection method: clinical testing. Allele origin: germline.

Color Diagnostics, LLC DBA Color Health
Classification: Likely benign for Cardiac arrhythmia. Last evaluated: 2020-06-22. Review status: criteria provided, single submitter. Criteria: ACMG Guidelines, 2015. Collection method: clinical testing. Allele origin: germline.